The following is an entry in ClinVar:

NM_000138.5(FBN1):c.3448A>G (p.Ile1150Val)

Gene: FBN1 (fibrillin 1; minus strand). Cytogenetic location: 15q21.1.
Variant type: single nucleotide variant.
Coding change: c.3448A>G on transcript NM_000138.5 (MANE Select); coding-DNA position 3448, A replaced by G.
Protein change: p.Ile1150Val; replaces isoleucine 1150 with valine.
Molecular consequence: missense variant.
Genome position (GRCh38, 1-based): chr15:48,487,327, T>C on the plus strand (A>G on the coding strand, the complement: FBN1 is on the minus strand). VCF-style: chr15-48487327-T-C. GRCh37 (hg19) VCF-style: chr15-48779524-T-C.
Other names: c.3448A>G, p.Ile1150Val (NM_001406716.1); short protein forms I1150V.
Identifiers: ClinVar variation 4756920 (VCV004756920.1).

ClinVar aggregate classification (germline): Uncertain significance (1 of 4 stars; one submission).

Conditions:
Familial thoracic aortic aneurysm and aortic dissection (TAAD). Also called: Thoracic aortic aneurysms and dissections. Identifiers: Orphanet 91387, MedGen C4707243, MONDO:0019625.

Submission:

Color Diagnostics, LLC DBA Color Health
Classification: Uncertain significance for Familial thoracic aortic aneurysm and aortic dissection. Last evaluated: 2025-06-23. Review status: criteria provided, single submitter. Criteria: ACMG Guidelines, 2015. Collection method: clinical testing. Allele origin: germline.
Comment: This missense variant replaces isoleucine with valine at codon 1150 of the FBN1 protein. Computational prediction suggests that this variant may not impact protein structure and function. To our knowledge, functional studies have not been reported for this variant. This variant has not been reported in individuals affected with FBN1-related disorders in the literature. This variant has not been identified in the general population by the Genome Aggregation Database (gnomAD). The available evidence is insufficient to determine the role of this variant in disease conclusively. Therefore, this variant is classified as a Variant of Uncertain Significance.